The following is an entry in ClinVar:

ClinVar aggregate classification (germline): Pathogenic (1 of 4 stars; one submission).

Submission:

Labcorp Genetics (formerly Invitae), Labcorp
Classification: Pathogenic. Last evaluated: 2026-01-19. Review status: criteria provided, single submitter. Criteria: Invitae Variant Classification Sherloc (09022015). Collection method: clinical testing. Allele origin: germline.
Comment: This sequence change creates a premature translational stop signal (p.Phe95Leufs*3) in the SCNN1A gene. It is expected to result in an absent or disrupted protein product. Loss-of-function variants in SCNN1A are known to be pathogenic (PMID: 10403853, 23416952). This variant is not present in population databases (gnomAD no frequency). This variant has not been reported in the literature in individuals affected with SCNN1A-related conditions. For these reasons, this variant has been classified as Pathogenic.

Literature cited by the submitters: PubMed 10403853; PubMed 23416952.

NM_001038.6(SCNN1A):c.285del (p.Phe95fs)

Gene: SCNN1A (sodium channel epithelial 1 subunit alpha; minus strand). Cytogenetic location: 12p13.31.
Variant type: Deletion.
Coding change: c.285del on transcript NM_001038.6 (MANE Select); coding-DNA position 285, one base deleted (T; older notation c.285delT).
Protein change: p.Phe95fs; shifts the reading frame from phenylalanine 95.
Molecular consequence: frameshift variant.
Genome position (GRCh38, 1-based): chr12:6,374,499, A deleted on the plus strand (T on the coding strand, the reverse complement: SCNN1A is on the minus strand); the first of 3 consecutive A bases (chr12:6,374,499-6,374,501); deleting any one gives the same sequence. VCF-style (leftmost placement, unchanged base first): chr12-6374498-CA-C. GRCh37 (hg19) VCF-style: chr12-6483664-CA-C.
Other names: c.354del, p.Phe118fs (NM_001159575.2); c.462del, p.Phe154fs (NM_001159576.2); short protein forms F95fs, F118fs, F154fs.
Identifiers: ClinVar variation 4735798 (VCV004735798.1).
Genomic context (GRCh38, chr12:6,374,498, plus strand): 5'-GGCTGACGGGGTAGCTGAAGTACTCTCCGAAAAGCAGGCCGAATTGCCAGTACATCATGC[CA>C]AAGGTGCAGAGCCACAGCACTGCCCAGAAGGCCGTCTTCATGCGGTTGTGCTGGGAGCAC-3'